The following is an entry in ClinVar:

NM_000388.4(CASR):c.15_16delinsGG (p.Ser5_Cys6delinsArgGly)

Gene: CASR (calcium sensing receptor; plus strand). Cytogenetic location: 3q21.1.
Variant type: Indel.
Coding change: c.15_16delinsGG on transcript NM_000388.4 (MANE Select); coding-DNA positions 15 to 16, CT replaced by GG.
Protein change: p.Ser5_Cys6delinsArgGly.
Molecular consequence: missense variant.
Genome position (GRCh38, 1-based): chr3:122,254,204-122,254,205, CT replaced by GG. VCF-style: chr3-122254204-CT-GG. GRCh37 (hg19) VCF-style: chr3-121973051-CT-GG.
Other names: c.15_16delinsGG, p.Ser5_Cys6delinsArgGly (NM_001178065.2).
Identifiers: ClinVar variation 2948680 (VCV002948680.3), dbSNP rs2473204943, ClinGen allele CA2740094553.

ClinVar aggregate classification (germline): Uncertain significance (1 of 4 stars; one submission).

Conditions:
Autosomal dominant hypocalcemia 1 (HYPOC1). Also called: HYPOCALCEMIA, FAMILIAL. Identifiers: MedGen C3715128, MONDO:0011013, OMIM 601198.
Familial hypocalciuric hypercalcemia (FHH). Also called: Familial benign hypercalcemia. Identifiers: Orphanet 405, MedGen C1809471, MONDO:0018458.

Submission:

Labcorp Genetics (formerly Invitae), Labcorp
Classification: Uncertain significance for Familial hypocalciuric hypercalcemia; Autosomal dominant hypocalcemia 1. Last evaluated: 2023-06-09. Review status: criteria provided, single submitter. Criteria: Invitae Variant Classification Sherloc (09022015). Collection method: clinical testing. Allele origin: germline.
Comment: In summary, the available evidence is currently insufficient to determine the role of this variant in disease. Therefore, it has been classified as a Variant of Uncertain Significance. Experimental studies and prediction algorithms are not available or were not evaluated, and the functional significance of this variant is currently unknown. This variant has not been reported in the literature in individuals affected with CASR-related conditions. Information on the frequency of this variant in the gnomAD database is not available, as this variant may be reported differently in the database. This variant, c.15_16delinsGG, is a complex sequence change that results in the substitution of 2 amino acid(s) in the CASR protein (p.Ser5_Cys6delinsArgGly).